The following is an entry in ClinVar:

ClinVar aggregate classification (germline): Conflicting classifications of pathogenicity. Review status: criteria provided, conflicting classifications (1 of 4 stars). 2 submissions from 2 submitters: Uncertain significance (1); Likely benign (1). Last evaluated 2025-10-02.

Conditions:
Holoprosencephaly 11 (HPE11). Identifiers: Orphanet 2162, MedGen C3280215, MONDO:0013642, OMIM 614226.
Inborn genetic diseases. Identifiers: MedGen C0950123, MeSH D030342.

Allele frequency attached by ClinVar (database versions not stated): ESP Exome Variant Server 0.00008; ExAC 0.00011; gnomAD exomes 0.00015; TOPMed 0.00015; 1000 Genomes Project 30x 0.00016; 1000 Genomes Project 0.00020.
gnomAD v4.1: 246 of 1,614,160 alleles (0.015%); highest among the groups gnomAD compares: Non-Finnish European, 0.018%; no homozygotes.

Submissions (2):

Labcorp Genetics (formerly Invitae), Labcorp
Classification: Uncertain significance for Holoprosencephaly 11. Last evaluated: 2025-10-02. Review status: criteria provided, single submitter. Criteria: Invitae Variant Classification Sherloc (09022015). Collection method: clinical testing. Allele origin: germline.
Comment: This sequence change replaces serine, which is neutral and polar, with proline, which is neutral and non-polar, at codon 463 of the CDON protein (p.Ser463Pro). This variant is present in population databases (rs146002530, gnomAD 0.02%). This variant has not been reported in the literature in individuals affected with CDON-related conditions. ClinVar contains an entry for this variant (Variation ID: 842607). An algorithm developed to predict the effect of missense changes on protein structure and function (PolyPhen-2) suggests that this variant is likely to be tolerated. In summary, the available evidence is currently insufficient to determine the role of this variant in disease. Therefore, it has been classified as a Variant of Uncertain Significance.

Ambry Genetics
Classification: Likely benign for Inborn genetic diseases. Last evaluated: 2021-11-15. Review status: criteria provided, single submitter. Criteria: Ambry Variant Classification Scheme 2023. Collection method: clinical testing. Allele origin: germline.

NM_001378964.1(CDON):c.1387T>C (p.Ser463Pro)

Gene: CDON (cell adhesion associated, oncogene regulated; minus strand). Cytogenetic location: 11q24.2.
Variant type: single nucleotide variant.
Coding change: c.1387T>C on transcript NM_001378964.1 (MANE Select); coding-DNA position 1387, T replaced by C.
Protein change: p.Ser463Pro; replaces serine 463 with proline.
Molecular consequence: missense variant.
Genome position (GRCh38, 1-based): chr11:126,010,506, A>G on the plus strand (T>C on the coding strand, the complement: CDON is on the minus strand). VCF-style: chr11-126010506-A-G. GRCh37 (hg19) VCF-style: chr11-125880401-A-G.
Other names: c.1387T>C, p.Ser463Pro (NM_001243597.3, NM_016952.6); short protein forms S463P.
Identifiers: ClinVar variation 842607 (VCV000842607.9), dbSNP rs146002530, ClinGen allele CA6352046.
Genomic context (GRCh38, chr11:126,010,506, plus strand): 5'-TTGCACCAGCTTGGGACAGGACGAAGTACACAGGCTCCAGGTTCAAGCCCTCAGGTCTTG[A>G]TAACTGTGATTTTCGGGATTTCGATCTCAGGACTTGAGATGGATGGCTGGTTATCAATCC-3'
Protein context (NP_001365893.1, residues 453-473): LRSKSRKSQL[Ser463Pro]RPEGLNLEPV